The following is an entry in ClinVar:

NM_182746.3(MCM4):c.1084C>T (p.Pro362Ser)

Gene: MCM4 (minichromosome maintenance complex component 4; plus strand). Cytogenetic location: 8q11.21.
Variant type: single nucleotide variant.
Coding change: c.1084C>T on transcript NM_182746.3 (MANE Select); coding-DNA position 1084, C replaced by T.
Protein change: p.Pro362Ser; replaces proline 362 with serine.
Molecular consequence: missense variant.
Genome position (GRCh38, 1-based): chr8:47,967,395, C>T. VCF-style: chr8-47967395-C-T. GRCh37 (hg19) VCF-style: chr8-48879955-C-T.
Other names: c.1084C>T, p.Pro362Ser (NM_005914.4); c.1084C>T (NM_005914.3); short protein forms P362S.
Identifiers: ClinVar variation 1045009 (VCV001045009.5), dbSNP rs375477637, ClinGen allele CA4742517.

ClinVar aggregate classification (germline): Uncertain significance. Review status: criteria provided, multiple submitters, no conflicts (2 of 4 stars). 2 submissions from 2 submitters: Uncertain significance (2). Last evaluated 2024-11-24.

Allele frequency attached by ClinVar (database versions not stated): ExAC 0.00001; gnomAD exomes 0.00002 and 0.00008; gnomAD 0.00003; TOPMed 0.00004; ESP Exome Variant Server 0.00008.
gnomAD v4.1: 118 of 1,614,080 alleles (0.0073%); highest among the groups gnomAD compares: Non-Finnish European, 0.0092%; no homozygotes.

Submissions (2):

Ambry Genetics
Classification: Uncertain significance. Last evaluated: 2024-11-24. Review status: criteria provided, single submitter. Criteria: Ambry Variant Classification Scheme 2023. Collection method: clinical testing. Allele origin: germline.

Labcorp Genetics (formerly Invitae), Labcorp
Classification: Uncertain significance. Last evaluated: 2022-04-28. Review status: criteria provided, single submitter. Criteria: Invitae Variant Classification Sherloc (09022015). Collection method: clinical testing. Allele origin: germline.
Comment: This sequence change replaces proline, which is neutral and non-polar, with serine, which is neutral and polar, at codon 362 of the MCM4 protein (p.Pro362Ser). This variant is present in population databases (rs375477637, gnomAD 0.01%). This variant has not been reported in the literature in individuals affected with MCM4-related conditions. ClinVar contains an entry for this variant (Variation ID: 1045009). Algorithms developed to predict the effect of missense changes on protein structure and function (SIFT, PolyPhen-2, Align-GVGD) all suggest that this variant is likely to be disruptive. In summary, the available evidence is currently insufficient to determine the role of this variant in disease. Therefore, it has been classified as a Variant of Uncertain Significance.